The following is an entry in ClinVar:

ClinVar aggregate classification (germline): Uncertain significance (1 of 4 stars; one submission).

Conditions:
CREBBP-related disorder. Also called: CREBBP-related condition; CREBBP-related disorders.

Allele frequency attached by ClinVar (database versions not stated): TOPMed below 0.00001.

Submission:

PreventionGenetics, part of Exact Sciences
Classification: Uncertain significance for CREBBP-related condition. Last evaluated: 2023-07-18. Review status: criteria provided, single submitter. Criteria: ACMG Guidelines, 2015. Collection method: clinical testing. Allele origin: germline.
Comment: The CREBBP c.827T>C variant is predicted to result in the amino acid substitution p.Phe276Ser. To our knowledge, this variant has not been reported in the literature or in a large population database, indicating this variant is rare. At this time, the clinical significance of this variant is uncertain due to the absence of conclusive functional and genetic evidence.

NM_004380.3(CREBBP):c.827T>C (p.Phe276Ser)

Gene: CREBBP (CREB binding lysine acetyltransferase; minus strand). Cytogenetic location: 16p13.3.
Variant type: single nucleotide variant.
Coding change: c.827T>C on transcript NM_004380.3 (MANE Select); coding-DNA position 827, T replaced by C.
Protein change: p.Phe276Ser; replaces phenylalanine 276 with serine.
Molecular consequence: missense variant.
Genome position (GRCh38, 1-based): chr16:3,810,751, A>G on the plus strand (T>C on the coding strand, the complement: CREBBP is on the minus strand). VCF-style: chr16-3810751-A-G. GRCh37 (hg19) VCF-style: chr16-3860752-A-G.
Other names: c.827T>C, p.Phe276Ser (NM_001079846.1); short protein forms F276S.
Identifiers: ClinVar variation 2631698 (VCV002631698.1), dbSNP rs2053922967, ClinGen allele CA394566157.
Genomic context (GRCh38, chr16:3,810,751, plus strand): 5'-TGGGGGTTCACTCCAGTGGCTCCCATTGGCTGCCCTCCAGCTTGACTAAAGGGCTGTCCA[A>G]ATGGACTTGTGTTCCCAGTTATTCCCATCTGAAACAAAAAAGAGGTAACATCAGCTGTGG-3'
Protein context (NP_004371.2, residues 266-286): KMGITGNTSP[Phe276Ser]GQPFSQAGGQ